The following is an entry in ClinVar:

NM_001349206.2(LPIN1):c.2192C>A (p.Thr731Asn)

Gene: LPIN1 (lipin 1; plus strand). Cytogenetic location: 2p25.1.
Variant type: single nucleotide variant.
Coding change: c.2192C>A on transcript NM_001349206.2 (MANE Select); coding-DNA position 2192, C replaced by A.
Protein change: p.Thr731Asn; replaces threonine 731 with asparagine.
Molecular consequence: missense variant. On other transcripts: non-coding transcript variant (1).
Genome position (GRCh38, 1-based): chr2:11,805,099, C>A. VCF-style: chr2-11805099-C-A. GRCh37 (hg19) VCF-style: chr2-11945225-C-A.
Other names: c.2102C>A, p.Thr701Asn (NM_001261427.3); c.2339C>A, p.Thr780Asn (NM_001261428.3); c.2084C>A, p.Thr695Asn (NM_001349199.2, NM_145693.4); c.2162C>A, p.Thr721Asn (NM_001349200.2, NM_001349201.2); c.2189C>A, p.Thr730Asn (NM_001349202.2, NM_001349203.2); c.2192C>A, p.Thr731Asn (NM_001349204.2, NM_001349205.2); c.2282C>A, p.Thr761Asn (NM_001349207.2); c.2231C>A, p.Thr744Asn (NM_001349208.2); short protein forms T744N, T695N, T721N, T730N, T701N, T731N, T761N, T780N.
Identifiers: ClinVar variation 1952316 (VCV001952316.5), dbSNP rs754191514, ClinGen allele CA1534024.
Genomic context (GRCh38, chr2:11,805,099, plus strand): 5'-ACTTTATTTTTCTCTTTTCCTCTTCATTTAGATCAGATACTCTTGGCCACATTTTGCCCA[C>A]CCTTGGGAAGGATTGGACCCATCAGGGCATCGCTAAGCTGTACCATAAAGTGAGCCAGTG-3'
Protein context (NP_001336135.1, residues 721-741): RSDTLGHILP[Thr731Asn]LGKDWTHQGI

ClinVar aggregate classification (germline): Uncertain significance (1 of 4 stars; one submission).

Allele frequency attached by ClinVar (database versions not stated): ExAC 0.00002.
gnomAD v4.1: 5 of 1,613,832 alleles (0.00031%); highest among the groups gnomAD compares: Admixed American, 0.0083%; no homozygotes.

Submission:

Labcorp Genetics (formerly Invitae), Labcorp
Classification: Uncertain significance. Last evaluated: 2022-05-28. Review status: criteria provided, single submitter. Criteria: Invitae Variant Classification Sherloc (09022015). Collection method: clinical testing. Allele origin: germline.
Comment: This variant has not been reported in the literature in individuals affected with LPIN1-related conditions. This sequence change replaces threonine, which is neutral and polar, with asparagine, which is neutral and polar, at codon 695 of the LPIN1 protein (p.Thr695Asn). This variant is present in population databases (rs754191514, gnomAD 0.01%). Algorithms developed to predict the effect of missense changes on protein structure and function are either unavailable or do not agree on the potential impact of this missense change (SIFT: "Deleterious"; PolyPhen-2: "Probably Damaging"; Align-GVGD: "Class C0"). In summary, the available evidence is currently insufficient to determine the role of this variant in disease. Therefore, it has been classified as a Variant of Uncertain Significance.